The following is an entry in ClinVar:

NM_018979.4(WNK1):c.6261T>G (p.Ile2087Met)

Gene: WNK1 (WNK lysine deficient protein kinase 1; plus strand). Cytogenetic location: 12p13.33.
Variant type: single nucleotide variant.
Coding change: c.6261T>G on transcript NM_018979.4 (MANE Select); coding-DNA position 6261, T replaced by G.
Protein change: p.Ile2087Met; replaces isoleucine 2087 with methionine.
Molecular consequence: missense variant.
Genome position (GRCh38, 1-based): chr12:897,494, T>G. VCF-style: chr12-897494-T-G. GRCh37 (hg19) VCF-style: chr12-1006660-T-G.
Other names: c.7041T>G, p.Ile2347Met (NM_001184985.2); c.5517T>G, p.Ile1839Met (NM_014823.3); c.7017T>G, p.Ile2339Met (NM_213655.5); short protein forms I1839M, I2087M, I2347M, I2339M.
Identifiers: ClinVar variation 1756697 (VCV001756697.2), dbSNP rs2497613706, ClinGen allele CA383337046.

ClinVar aggregate classification (germline): Uncertain significance (1 of 4 stars; one submission).

Conditions:
Inborn genetic diseases. Identifiers: MedGen C0950123, MeSH D030342.

Submission:

Ambry Genetics
Classification: Uncertain significance for Inborn genetic diseases. Last evaluated: 2019-10-28. Review status: criteria provided, single submitter. Criteria: Ambry Variant Classification Scheme 2023. Collection method: clinical testing. Allele origin: germline.
Comment: The p.I2339M variant (also known as c.7017T>G), located in coding exon 25 of the WNK1 gene, results from a T to G substitution at nucleotide position 7017. The isoleucine at codon 2339 is replaced by methionine, an amino acid with highly similar properties. This amino acid position is well conserved in available vertebrate species. In addition, the in silico prediction for this alteration is inconclusive. Since supporting evidence is limited at this time, the clinical significance of this alteration remains unclear.